The following is an entry in ClinVar:

ClinVar aggregate classification (germline): Benign (1 of 4 stars; one submission).

Allele frequency attached by ClinVar (database versions not stated): 1000 Genomes Project 30x 0.45112; 1000 Genomes Project 0.45208; gnomAD 0.45981 and 0.46301; TOPMed 0.46564.
gnomAD v4.1: 70,381 of 151,798 alleles (46%); highest among the groups gnomAD compares: Admixed American, 59%; 17,087 homozygotes.

Submission:

GeneDx
Classification: Benign. Last evaluated: 2018-06-14. Review status: criteria provided, single submitter. Criteria: GeneDx Variant Classification (06012015). Collection method: clinical testing. Allele origin: germline. Affected: yes.
Comment: This variant is considered likely benign or benign based on one or more of the following criteria: it is a conservative change, it occurs at a poorly conserved position in the protein, it is predicted to be benign by multiple in silico algorithms, and/or has population frequency not consistent with disease.

NM_006846.4(SPINK5):c.883-170A>G

Gene: SPINK5 (serine peptidase inhibitor Kazal type 5; plus strand). Cytogenetic location: 5q32.
Variant type: single nucleotide variant.
Coding change: c.883-170A>G on transcript NM_006846.4 (MANE Select); 170 bases into the intron before coding-DNA position 883, A replaced by G.
Molecular consequence: intron variant.
Genome position (GRCh38, 1-based): chr5:148,097,697, A>G. VCF-style: chr5-148097697-A-G. GRCh37 (hg19) VCF-style: chr5-147477260-A-G.
Other names: c.883-170A>G (NM_001127698.2, NM_001127699.2).
Identifiers: ClinVar variation 675224 (VCV000675224.1), dbSNP rs11168019, ClinGen allele CA12107274.